The following is an entry in ClinVar:

ClinVar aggregate classification (germline): Uncertain significance. Review status: criteria provided, multiple submitters, no conflicts (2 of 4 stars). 2 submissions from 2 submitters: Uncertain significance (2). Last evaluated 2026-07-14.

Conditions:
RP1-related disorder. Also called: RP1-related condition.

Allele frequency attached by ClinVar (database versions not stated): gnomAD exomes 0.00001 and 0.00003; ExAC 0.00003; gnomAD 0.00004; TOPMed 0.00006; ESP Exome Variant Server 0.00008.
gnomAD v4.1: 24 of 1,614,026 alleles (0.0015%); highest among the groups gnomAD compares: Middle Eastern, 0.016%; no homozygotes.

Submissions (2):

PreventionGenetics, part of Exact Sciences
Classification: Uncertain significance for RP1-related condition. Last evaluated: 2026-07-14. Review status: criteria provided, single submitter. Criteria: ACMG Guidelines, 2015. Collection method: clinical testing. Allele origin: germline.
Comment: The RP1 c.4909G>A variant is predicted to result in the amino acid substitution p.Gly1637Ser. To our knowledge, this variant has not been reported in the literature. This variant is reported in 0.016% of alleles in individuals of African descent in gnomAD. At this time, the clinical significance of this variant is uncertain due to the absence of conclusive functional and genetic evidence.

Labcorp Genetics (formerly Invitae), Labcorp
Classification: Uncertain significance. Last evaluated: 2024-10-23. Review status: criteria provided, single submitter. Criteria: Invitae Variant Classification Sherloc (09022015). Collection method: clinical testing. Allele origin: germline.
Comment: This sequence change replaces glycine, which is neutral and non-polar, with serine, which is neutral and polar, at codon 1637 of the RP1 protein (p.Gly1637Ser). This variant is present in population databases (rs377752803, gnomAD 0.02%). This variant has not been reported in the literature in individuals affected with RP1-related conditions. ClinVar contains an entry for this variant (Variation ID: 1404138). An algorithm developed to predict the effect of missense changes on protein structure and function outputs the following: PolyPhen-2: "Possibly Damaging". The serine amino acid residue is found in multiple mammalian species, which suggests that this missense change does not adversely affect protein function. In summary, the available evidence is currently insufficient to determine the role of this variant in disease. Therefore, it has been classified as a Variant of Uncertain Significance.

NM_006269.2(RP1):c.4909G>A (p.Gly1637Ser)

Genes: RP1 (RP1 axonemal microtubule associated; plus strand), LOC126860392 (CDK7 strongly-dependent group 2 enhancer GRCh37_chr8:55541319-55542518; plus strand). Cytogenetic location: 8q12.1.
Variant type: single nucleotide variant.
Coding change: c.4909G>A on transcript NM_006269.2 (MANE Select); coding-DNA position 4909, G replaced by A.
Protein change: p.Gly1637Ser; replaces glycine 1637 with serine.
Molecular consequence: missense variant. On other transcripts: intron variant (1).
Genome position (GRCh38, 1-based): chr8:54,628,791, G>A. VCF-style: chr8-54628791-G-A. GRCh37 (hg19) VCF-style: chr8-55541351-G-A.
Other names: c.787+6503G>A (NM_001375654.1); c.4909G>A (NM_006269.1); short protein forms G1637S.
Identifiers: ClinVar variation 1404138 (VCV001404138.7), dbSNP rs377752803, ClinGen allele CA4751969.